The following is an entry in ClinVar:

NM_022916.6(VPS33A):c.1433A>T (p.Asn478Ile)

Gene: VPS33A (VPS33A core subunit of CORVET and HOPS complexes; minus strand). Cytogenetic location: 12q24.31.
Variant type: single nucleotide variant.
Coding change: c.1433A>T on transcript NM_022916.6 (MANE Select); coding-DNA position 1433, A replaced by T.
Protein change: p.Asn478Ile; replaces asparagine 478 with isoleucine.
Molecular consequence: missense variant.
Genome position (GRCh38, 1-based): chr12:122,235,793, T>A on the plus strand (A>T on the coding strand, the complement: VPS33A is on the minus strand). VCF-style: chr12-122235793-T-A. GRCh37 (hg19) VCF-style: chr12-122720340-T-A.
Other names: c.1400A>T, p.Asn467Ile (NM_001351018.2); c.1385A>T, p.Asn462Ile (NM_001351019.2); c.1112A>T, p.Asn371Ile (NM_001351020.2); short protein forms N478I, N467I, N371I, N462I.
Identifiers: ClinVar variation 1482202 (VCV001482202.8), dbSNP rs2136123021, ClinGen allele CA387049973.

ClinVar aggregate classification (germline): Uncertain significance (1 of 4 stars; one submission).

Submission:

Labcorp Genetics (formerly Invitae), Labcorp
Classification: Uncertain significance. Last evaluated: 2021-06-07. Review status: criteria provided, single submitter. Criteria: Invitae Variant Classification Sherloc (09022015). Collection method: clinical testing. Allele origin: germline.
Comment: This sequence change replaces asparagine with isoleucine at codon 478 of the VPS33A protein (p.Asn478Ile). The asparagine residue is moderately conserved and there is a large physicochemical difference between asparagine and isoleucine. This variant is not present in population databases (ExAC no frequency). This variant has not been reported in the literature in individuals with VPS33A-related conditions. Algorithms developed to predict the effect of missense changes on protein structure and function are either unavailable or do not agree on the potential impact of this missense change (SIFT: "Tolerated"; PolyPhen-2: "Probably Damaging"; Align-GVGD: "Class C0"). In summary, the available evidence is currently insufficient to determine the role of this variant in disease. Therefore, it has been classified as a Variant of Uncertain Significance.